The following is an entry in ClinVar:

ClinVar aggregate classification (germline): Uncertain significance (1 of 4 stars; one submission).

Submission:

Labcorp Genetics (formerly Invitae), Labcorp
Classification: Uncertain significance. Last evaluated: 2024-07-22. Review status: criteria provided, single submitter. Criteria: Invitae Variant Classification Sherloc (09022015). Collection method: clinical testing. Allele origin: germline.
Comment: This sequence change replaces serine, which is neutral and polar, with glycine, which is neutral and non-polar, at codon 616 of the FCHO1 protein (p.Ser616Gly). The frequency data for this variant in the population databases is considered unreliable, as metrics indicate poor data quality at this position in the gnomAD database. This variant has not been reported in the literature in individuals affected with FCHO1-related conditions. An algorithm developed to predict the effect of missense changes on protein structure and function (PolyPhen-2) suggests that this variant is likely to be disruptive. In summary, the available evidence is currently insufficient to determine the role of this variant in disease. Therefore, it has been classified as a Variant of Uncertain Significance.

NM_015122.3(FCHO1):c.1846A>G (p.Ser616Gly)

Gene: FCHO1 (FCH and mu domain containing endocytic adaptor 1; plus strand). Cytogenetic location: 19p13.11.
Variant type: single nucleotide variant.
Coding change: c.1846A>G on transcript NM_015122.3 (MANE Select); coding-DNA position 1846, A replaced by G.
Protein change: p.Ser616Gly; replaces serine 616 with glycine.
Molecular consequence: missense variant. On other transcripts: non-coding transcript variant (36).
Genome position (GRCh38, 1-based): chr19:17,781,729, A>G. VCF-style: chr19-17781729-A-G. GRCh37 (hg19) VCF-style: chr19-17892538-A-G.
Other names: c.1846A>G, p.Ser616Gly (NM_001161357.2, NM_001161358.2, NM_001384370.1 and 13 more transcripts); c.1696A>G, p.Ser566Gly (NM_001161359.2, NM_001384384.1, NM_001384385.1 and 1 more transcripts); c.1807A>G, p.Ser603Gly (NM_001384388.1, NM_001384405.1, NM_001384389.1); c.1570A>G, p.Ser524Gly (NM_001384398.1, NM_001384399.1, NM_001384400.1 and 5 more transcripts); c.1525A>G, p.Ser509Gly (NM_001384403.1); c.1420A>G, p.Ser474Gly (NM_001384406.1); c.1276A>G, p.Ser426Gly (NM_001384407.1); c.1771A>G, p.Ser591Gly (NM_001384390.1); and 1 more; short protein forms S474G, S616G, S509G, S566G, S577G, S603G, S426G, S524G.
Identifiers: ClinVar variation 3678738 (VCV003678738.2).
Genomic context (GRCh38, chr19:17,781,729, plus strand): 5'-ACTGTCTATCCGTTGTTCCCCATTCCCTCTCCACCACCCCCAGGAGTCTCCCGGGGTCCG[A>G]GCCCTGTGGTCCTGGGCTCCCAGGATGCCCTGCCCATAGCCACAGCCTTCACAGAGTATG-3'
Protein context (NP_055937.1, residues 606-626): QTGHGVSRGP[Ser616Gly]PVVLGSQDAL